The following is an entry in ClinVar:

ClinVar aggregate classification (germline): Likely pathogenic (1 of 4 stars; one submission).

Conditions:
Hypokalemic periodic paralysis, type 1. Also called: HypoPP; Hypokalemic Periodic Paralysis Type 1 (AD). Identifiers: Orphanet 681, MedGen C3714580, MONDO:0042979, OMIM 170400.
Malignant hyperthermia, susceptibility to, 5 (MHS5). Also called: CACNA1S-Related Malignant Hyperthermia Susceptibility. Identifiers: Orphanet 423, MedGen C1866077, MONDO:0011163, OMIM 601887.

Submission:

Labcorp Genetics (formerly Invitae), Labcorp
Classification: Likely pathogenic for Hypokalemic periodic paralysis, type 1; Malignant hyperthermia, susceptibility to, 5. Last evaluated: 2022-04-20. Review status: criteria provided, single submitter. Criteria: Invitae Variant Classification Sherloc (09022015). Collection method: clinical testing. Allele origin: germline.
Comment: This sequence change affects a donor splice site in intron 22 of the CACNA1S gene. It is expected to disrupt RNA splicing. Variants that disrupt the donor or acceptor splice site typically lead to a loss of protein function (PMID: 16199547), and loss-of-function variants in CACNA1S are known to be pathogenic (PMID: 26247046, 28012042). This variant is not present in population databases (gnomAD no frequency). This variant has not been reported in the literature in individuals affected with CACNA1S-related conditions. Algorithms developed to predict the effect of sequence changes on RNA splicing suggest that this variant may disrupt the consensus splice site. In summary, the currently available evidence indicates that the variant is pathogenic, but additional data are needed to prove that conclusively. Therefore, this variant has been classified as Likely Pathogenic.

Literature cited by the submitters: PubMed 16199547; PubMed 26247046; PubMed 28012042.

NM_000069.3(CACNA1S):c.2853+1G>T

Gene: CACNA1S (calcium voltage-gated channel subunit alpha1 S; minus strand). Cytogenetic location: 1q32.1.
Variant type: single nucleotide variant.
Coding change: c.2853+1G>T on transcript NM_000069.3 (MANE Select); the canonical splice donor site of the intron after coding-DNA position 2853, G replaced by T.
Molecular consequence: splice donor variant.
Genome position (GRCh38, 1-based): chr1:201,065,837, C>A on the plus strand (G>T on the coding strand, the complement: CACNA1S is on the minus strand). VCF-style: chr1-201065837-C-A. GRCh37 (hg19) VCF-style: chr1-201034965-C-A.
Identifiers: ClinVar variation 2128281 (VCV002128281.4), dbSNP rs2464518149, ClinGen allele CA344101158.